The following is an entry in ClinVar:

NM_019023.5(PRMT7):c.213TGGCAC[3] (p.Gly76_Leu77insThrGly)

Gene: PRMT7 (protein arginine methyltransferase 7; plus strand). Cytogenetic location: 16q22.1.
Variant type: Microsatellite.
Coding change: c.213TGGCAC[3] on transcript NM_019023.5 (MANE Select); three copies in a row of the 6-base unit TGGCAC starting at c.213; the reference has two copies in a row; one copy, 6 bases duplicated.
Protein change: p.Gly76_Leu77insThrGly.
Molecular consequence: inframe insertion. On other transcripts: non-coding transcript variant (12), intron variant (1), 5 prime UTR variant (3).
Genome position (GRCh38, 1-based): chr16:68,324,769-68,324,774, TGGCAC duplicated; duplicating any 6 consecutive bases within chr16:68,324,763-68,324,774 gives the same sequence; the position shown is the placement nearest the transcript's 3' end. VCF-style (leftmost placement, unchanged base first): chr16-68324762-T-TTGGCAC. GRCh37 (hg19) VCF-style: chr16-68358665-T-TTGGCAC.
Other names: c.132+3301TGGCAC[3] (NM_001184824.4); c.213TGGCAC[3], p.Gly76_Leu77insThrGly (NM_001290018.2, NM_001351143.3, NM_001351144.3 and 1 more transcripts); c.115TGGCAC[3], p.His42_Gly43insTrpHis (NM_001378020.1); c.-25TGGCAC[3] (NM_001378021.1, NM_001378022.1, NM_001378023.1).
Identifiers: ClinVar variation 2575605 (VCV002575605.3), dbSNP rs1169069876, ClinGen allele CA723110289.
Genomic context (GRCh38, chr16:68,324,762, plus strand): 5'-GTATCCGGGCTGCCGTGAGCAGGGTGAAGGACAGAGGACAGAAGGCCTTGGTTCTCGACA[T>TTGGCAC]TGGCACTGGCACGGGACTCTTGTCAATGATGGCGGTCACAGCAGGTGCCGACTTCTGCTA-3'

ClinVar aggregate classification (germline): Uncertain significance (1 of 4 stars; one submission).

Submission:

GeneDx
Classification: Uncertain significance. Last evaluated: 2023-09-08. Review status: criteria provided, single submitter. Criteria: GeneDx Variant Classification Process June 2021. Collection method: clinical testing. Allele origin: germline. Affected: yes.
Comment: Not observed at significant frequency in large population cohorts (gnomAD); In-frame insertion of 2 amino acids in a non-repeat region; Has not been previously published as pathogenic or benign to our knowledge